The following is an entry in ClinVar:

ClinVar aggregate classification (germline): Uncertain significance (1 of 4 stars; one submission).

Allele frequency attached by ClinVar (database versions not stated): TOPMed 0.00001.
gnomAD v4.1: 4 of 1,568,644 alleles (0.00025%); highest among the groups gnomAD compares: Admixed American, 0.0056%; no homozygotes.

Submission:

Labcorp Genetics (formerly Invitae), Labcorp
Classification: Uncertain significance. Last evaluated: 2023-10-13. Review status: criteria provided, single submitter. Criteria: Invitae Variant Classification Sherloc (09022015). Collection method: clinical testing. Allele origin: germline.
Comment: This sequence change replaces aspartic acid, which is acidic and polar, with glutamic acid, which is acidic and polar, at codon 1619 of the SBF1 protein (p.Asp1619Glu). This variant is not present in population databases (gnomAD no frequency). This variant has not been reported in the literature in individuals affected with SBF1-related conditions. Advanced modeling of protein sequence and biophysical properties (such as structural, functional, and spatial information, amino acid conservation, physicochemical variation, residue mobility, and thermodynamic stability) performed at Invitae indicates that this missense variant is not expected to disrupt SBF1 protein function. In summary, the available evidence is currently insufficient to determine the role of this variant in disease. Therefore, it has been classified as a Variant of Uncertain Significance.

NM_002972.4(SBF1):c.4857C>G (p.Asp1619Glu)

Gene: SBF1 (SET binding factor 1; minus strand). Cytogenetic location: 22q13.33.
Variant type: single nucleotide variant.
Coding change: c.4857C>G on transcript NM_002972.4 (MANE Select); coding-DNA position 4857, C replaced by G.
Protein change: p.Asp1619Glu; replaces aspartic acid 1619 with glutamic acid.
Molecular consequence: missense variant.
Genome position (GRCh38, 1-based): chr22:50,454,698, G>C on the plus strand (C>G on the coding strand, the complement: SBF1 is on the minus strand). VCF-style: chr22-50454698-G-C. GRCh37 (hg19) VCF-style: chr22-50893127-G-C.
Other names: c.4857C>G, p.Asp1619Glu (NM_197971.1); c.4782C>G, p.Asp1594Glu (NM_001365819.1); c.4860C>G, p.Asp1620Glu (NM_001410794.1); c.4779C>G, p.Asp1593Glu (NM_001410795.1); short protein forms D1594E, D1619E, D1593E, D1620E.
Identifiers: ClinVar variation 2987347 (VCV002987347.3), dbSNP rs956315341, ClinGen allele CA325527917.